The following is an entry in ClinVar:

NM_004168.4(SDHA):c.298_299del (p.Thr100fs)

Gene: SDHA (succinate dehydrogenase complex flavoprotein subunit A; plus strand). Cytogenetic location: 5p15.33.
Variant type: Microsatellite.
Coding change: c.298_299del on transcript NM_004168.4 (MANE Select); coding-DNA positions 298 to 299, 2 bases deleted (AC; older notation c.298_299delAC).
Protein change: p.Thr100fs; shifts the reading frame from threonine 100.
Molecular consequence: frameshift variant.
Genome position (GRCh38, 1-based): chr5:224,507-224,508, AC deleted; deleting any 2 consecutive bases within chr5:224,502-224,508 gives the same sequence; the c. name uses the placement nearest the transcript's 3' end. VCF-style (leftmost placement, unchanged base first): chr5-224501-TCA-T. GRCh37 (hg19) VCF-style: chr5-224616-TCA-T.
Other names: c.298_299del, p.Thr100fs (NM_001294332.2, NM_001330758.2); short protein forms T100fs.
Identifiers: ClinVar variation 1455577 (VCV001455577.7), dbSNP rs2126543272, ClinGen allele CA2580613493.

ClinVar aggregate classification (germline): Pathogenic/Likely pathogenic. Review status: criteria provided, multiple submitters, no conflicts (2 of 4 stars). 2 submissions from 2 submitters: Pathogenic (1); Likely pathogenic (1). Last evaluated 2024-01-19.

Conditions:
Hereditary cancer-predisposing syndrome. Also called: Neoplastic Syndromes, Hereditary; Hereditary Cancer Syndrome; Hereditary neoplastic syndrome; Tumor predisposition. Identifiers: Orphanet 140162, MedGen C0027672, MeSH D009386, MONDO:0015356.
Mitochondrial complex II deficiency, nuclear type 1. Also called: SUCCINATE CoQ REDUCTASE DEFICIENCY. Identifiers: Orphanet 3208, MedGen C5700310, MONDO:0100294, OMIM 252011.
Pheochromocytoma/paraganglioma syndrome 5. Also called: Paragangliomas 5; SDHA-Related Hereditary Paraganglioma-Pheochromocytoma Syndrome. Identifiers: Orphanet 29072, MedGen C3279992, MONDO:0013602, OMIM 614165.

Submissions (2):

Labcorp Genetics (formerly Invitae), Labcorp
Classification: Pathogenic for Pheochromocytoma/paraganglioma syndrome 5; Mitochondrial complex II deficiency, nuclear type 1. Last evaluated: 2024-01-19. Review status: criteria provided, single submitter. Criteria: Invitae Variant Classification Sherloc (09022015). Collection method: clinical testing. Allele origin: germline.
Comment: This sequence change creates a premature translational stop signal (p.Thr100Cysfs*61) in the SDHA gene. It is expected to result in an absent or disrupted protein product. Loss-of-function variants in SDHA are known to be pathogenic (PMID: 22974104, 24781757). This variant is not present in population databases (gnomAD no frequency). This variant has not been reported in the literature in individuals affected with SDHA-related conditions. ClinVar contains an entry for this variant (Variation ID: 1455577). For these reasons, this variant has been classified as Pathogenic.

Sema4
Classification: Likely pathogenic for Hereditary cancer-predisposing syndrome. Last evaluated: 2021-04-21. Review status: criteria provided, single submitter. Criteria: Sema4 Curation Guidelines. Collection method: curation. Allele origin: germline.
Comment: To the best of our knowledge, the SDHA c.298_299delAC (pT100Cfs*61) variant has not been reported in individuals with SDHA-related disease. This variant causes a frameshift at amino acid 100 that results in premature termination 61 amino acids downstream. At this location, this is predicted to cause nonsense-mediated decay and result in an absent protein (loss of function). This variant is not reported in the population database Genome Aggregation Database (PMID: 32461654). This variant has not been reported in ClinVar. Based on the current evidence available, this variant is interpreted as likely pathogenic.

Literature cited by the submitters: PubMed 22974104 (cited by Labcorp Genetics (formerly Invitae), Labcorp); PubMed 24781757 (cited by Labcorp Genetics (formerly Invitae), Labcorp).